The following is an entry in ClinVar:

NM_000553.6(WRN):c.2765T>A (p.Val922Glu)

Gene: WRN (WRN RecQ like helicase; plus strand). Cytogenetic location: 8p12.
Variant type: single nucleotide variant.
Coding change: c.2765T>A on transcript NM_000553.6 (MANE Select); coding-DNA position 2765, T replaced by A.
Protein change: p.Val922Glu; replaces valine 922 with glutamic acid.
Molecular consequence: missense variant.
Genome position (GRCh38, 1-based): chr8:31,124,940, T>A. VCF-style: chr8-31124940-T-A. GRCh37 (hg19) VCF-style: chr8-30982456-T-A.
Other names: short protein forms V922E.
Identifiers: ClinVar variation 2856095 (VCV002856095.3), dbSNP rs2130344509, ClinGen allele CA370917660.

ClinVar aggregate classification (germline): Uncertain significance (1 of 4 stars; one submission).

Conditions:
Werner syndrome (WRN). Identifiers: Orphanet 902, MedGen C0043119, MONDO:0010196, OMIM 277700.

Submission:

Labcorp Genetics (formerly Invitae), Labcorp
Classification: Uncertain significance for Werner syndrome. Last evaluated: 2023-04-14. Review status: criteria provided, single submitter. Criteria: Invitae Variant Classification Sherloc (09022015). Collection method: clinical testing. Allele origin: germline.
Comment: In summary, the available evidence is currently insufficient to determine the role of this variant in disease. Therefore, it has been classified as a Variant of Uncertain Significance. Algorithms developed to predict the effect of sequence changes on RNA splicing suggest that this variant may create or strengthen a splice site. An algorithm developed to predict the effect of missense changes on protein structure and function (PolyPhen-2) suggests that this variant is likely to be tolerated. This variant has not been reported in the literature in individuals affected with WRN-related conditions. This variant is not present in population databases (gnomAD no frequency). This sequence change replaces valine, which is neutral and non-polar, with glutamic acid, which is acidic and polar, at codon 922 of the WRN protein (p.Val922Glu).